The following is an entry in ClinVar:

ClinVar aggregate classification (germline): Uncertain significance (1 of 4 stars; one submission).

Conditions:
Myofibrillar myopathy 3 (MFM3). Also called: Autosomal dominant spheroid body myopathy; Muscular dystrophy, proximal, type 1A. Identifiers: Orphanet 266, Orphanet 268129, MedGen C3714934, MONDO:0012215, OMIM 609200.

Allele frequency attached by ClinVar (database versions not stated): TOPMed below 0.00001; ExAC 0.00001; gnomAD exomes 0.00002.

Submission:

Labcorp Genetics (formerly Invitae), Labcorp
Classification: Uncertain significance for Myofibrillar myopathy 3. Last evaluated: 2016-11-24. Review status: criteria provided, single submitter. Criteria: Invitae Variant Classification Sherloc (09022015). Collection method: clinical testing. Allele origin: germline.
Comment: This variant is not present in population databases (ExAC no frequency) and has not been reported in the literature in individuals with a MYOT-related disease. In summary, this variant is a novel missense change with uncertain impact on protein function. It has been classified as a Variant of Uncertain Significance. Experimental studies and prediction algorithms are not available for this variant, and the functional significance of the additional amino acid is currently unknown. This sequence change disrupts the translational stop signal of the MYOT mRNA and it is expected to extend the length of the MYOT protein by 1 additional amino acid residues.

NM_006790.3(MYOT):c.1497A>T (p.Ter499Tyr)

Genes: PKD2L2-DT (PKD2L2 divergent transcript; minus strand), MYOT (myotilin; plus strand). Cytogenetic location: 5q31.2.
Variant type: single nucleotide variant.
Coding change: c.1497A>T on transcript NM_006790.3 (MANE Select); coding-DNA position 1497, A replaced by T.
Protein change: p.Ter499Tyr.
Molecular consequence: stop lost.
Genome position (GRCh38, 1-based): chr5:137,887,385, A>T. VCF-style: chr5-137887385-A-T. GRCh37 (hg19) VCF-style: chr5-137223074-A-T.
Other names: *499Y; *384Y; c.945A>T, p.Ter315Tyr (NM_001135940.2); c.1152A>T, p.Ter384Tyr (NM_001300911.2).
Identifiers: ClinVar variation 464368 (VCV000464368.9), dbSNP rs779978043, ClinGen allele CA3423214.